The following is an entry in ClinVar:

ClinVar aggregate classification (germline): Uncertain significance (1 of 4 stars; one submission).

Submission:

GeneDx
Classification: Uncertain significance. Last evaluated: 2020-02-27. Review status: criteria provided, single submitter. Criteria: GeneDx Variant Classification Process June 2021. Collection method: clinical testing. Allele origin: germline. Affected: yes.
Comment: Has not been previously published as pathogenic or benign to our knowledge; In silico analysis supports that this missense variant has a deleterious effect on protein structure/function; Not observed in large population cohorts (Lek et al., 2016)

NM_212482.4(FN1):c.697G>C (p.Asp233His)

Gene: FN1 (fibronectin 1; minus strand). Cytogenetic location: 2q35.
Variant type: single nucleotide variant.
Coding change: c.697G>C on transcript NM_212482.4 (MANE Select); coding-DNA position 697, G replaced by C.
Protein change: p.Asp233His; replaces aspartic acid 233 with histidine.
Molecular consequence: missense variant.
Genome position (GRCh38, 1-based): chr2:215,428,327, C>G on the plus strand (G>C on the coding strand, the complement: FN1 is on the minus strand). VCF-style: chr2-215428327-C-G. GRCh37 (hg19) VCF-style: chr2-216293050-C-G.
Other names: c.697G>C, p.Asp233His (NM_212476.3, NM_212478.3, NM_001365520.2 and 14 more transcripts); short protein forms D233H.
Identifiers: ClinVar variation 1315204 (VCV001315204.2), dbSNP rs759240555, ClinGen allele CA350474360.